The following is an entry in ClinVar:

ClinVar aggregate classification (germline): Uncertain significance (1 of 4 stars; one submission).

Allele frequency attached by ClinVar (database versions not stated): TOPMed below 0.00001; gnomAD 0.00001.
gnomAD v4.1: 6 of 1,613,852 alleles (0.00037%); highest among the groups gnomAD compares: African/African-American, 0.0013%; no homozygotes.

Submission:

Labcorp Genetics (formerly Invitae), Labcorp
Classification: Uncertain significance. Last evaluated: 2022-08-30. Review status: criteria provided, single submitter. Criteria: Invitae Variant Classification Sherloc (09022015). Collection method: clinical testing. Allele origin: germline.
Comment: This sequence change replaces lysine, which is basic and polar, with glutamine, which is neutral and polar, at codon 80 of the ACAN protein (p.Lys80Gln). This variant is not present in population databases (gnomAD no frequency). In summary, the available evidence is currently insufficient to determine the role of this variant in disease. Therefore, it has been classified as a Variant of Uncertain Significance. Algorithms developed to predict the effect of missense changes on protein structure and function are either unavailable or do not agree on the potential impact of this missense change (SIFT: "Deleterious"; PolyPhen-2: "Not Available"; Align-GVGD: "Class C45"). This variant has not been reported in the literature in individuals affected with ACAN-related conditions.

NM_001369268.1(ACAN):c.238A>C (p.Lys80Gln)

Gene: ACAN (aggrecan; plus strand). Cytogenetic location: 15q26.1.
Variant type: single nucleotide variant.
Coding change: c.238A>C on transcript NM_001369268.1 (MANE Select); coding-DNA position 238, A replaced by C.
Protein change: p.Lys80Gln; replaces lysine 80 with glutamine.
Molecular consequence: missense variant.
Genome position (GRCh38, 1-based): chr15:88,838,830, A>C. VCF-style: chr15-88838830-A-C. GRCh37 (hg19) VCF-style: chr15-89382061-A-C.
Other names: c.238A>C, p.Lys80Gln (NM_001135.4, NM_001411096.1, NM_001411097.1 and 1 more transcripts); short protein forms K80Q.
Identifiers: ClinVar variation 2196536 (VCV002196536.4), dbSNP rs1344272498, ClinGen allele CA393715008.